The following is an entry in ClinVar:

NM_007194.4(CHEK2):c.1397T>A (p.Leu466Ter)

Gene: CHEK2 (checkpoint kinase 2; minus strand). Cytogenetic location: 22q12.1.
Variant type: single nucleotide variant.
Coding change: c.1397T>A on transcript NM_007194.4 (MANE Select); coding-DNA position 1397, T replaced by A.
Protein change: p.Leu466Ter; replaces leucine 466 with a stop codon.
Molecular consequence: nonsense.
Genome position (GRCh38, 1-based): chr22:28,694,096, A>T on the plus strand (T>A on the coding strand, the complement: CHEK2 is on the minus strand). VCF-style: chr22-28694096-A-T. GRCh37 (hg19) VCF-style: chr22-29090084-A-T.
Other names: c.1526T>A, p.Leu509Ter (NM_001005735.3); c.734T>A, p.Leu245Ter (NM_001257387.3); c.1196T>A, p.Leu399Ter (NM_001349956.3); c.1310T>A, p.Leu437Ter (NM_145862.3); short protein forms L245*, L437*, L399*, L466*, L509*.
Identifiers: ClinVar variation 819102 (VCV000819102.5), dbSNP rs1601716482, ClinGen allele CA411094423.

ClinVar aggregate classification (germline): Pathogenic (1 of 4 stars; one submission).

Conditions:
Hereditary cancer-predisposing syndrome. Also called: Tumor predisposition; Hereditary neoplastic syndrome; Neoplastic Syndromes, Hereditary; Hereditary Cancer Syndrome. Identifiers: Orphanet 140162, MedGen C0027672, MeSH D009386, MONDO:0015356.

Submission:

Ambry Genetics
Classification: Pathogenic for Hereditary cancer-predisposing syndrome. Last evaluated: 2025-08-21. Review status: criteria provided, single submitter. Criteria: Ambry Variant Classification Scheme 2023. Collection method: clinical testing. Allele origin: germline.
Comment: The p.L466* pathogenic mutation (also known as c.1397T>A), located in coding exon 12 of the CHEK2 gene, results from a T to A substitution at nucleotide position 1397. This changes the amino acid from a leucine to a stop codon within coding exon 12. This variant is considered to be rare based on population cohorts in the Genome Aggregation Database (gnomAD). This alteration is expected to result in loss of function by premature protein truncation or nonsense-mediated mRNA decay. As such, this alteration is interpreted as a disease-causing mutation.